The following is an entry in ClinVar:

ClinVar aggregate classification (germline): Uncertain significance (1 of 4 stars; one submission).

Conditions:
Neuroblastoma, susceptibility to, 3. Also called: ALK-Related Neuroblastic Tumor Susceptibility. Identifiers: Orphanet 635, MedGen C2751681, MONDO:0013083, OMIM 613014.

Allele frequency attached by ClinVar (database versions not stated): gnomAD exomes below 0.00001.
gnomAD v4.1: 1 of 1,614,214 alleles (0.000062%); highest among the groups gnomAD compares: Non-Finnish European, 0.000085%; no homozygotes.

Submissions (2):

Labcorp Genetics (formerly Invitae), Labcorp
Classification: Uncertain significance for Neuroblastoma, susceptibility to, 3. Last evaluated: 2024-03-15. Review status: criteria provided, single submitter. Criteria: Invitae Variant Classification Sherloc (09022015). Collection method: clinical testing. Allele origin: germline.
Comment: This sequence change replaces aspartic acid, which is acidic and polar, with asparagine, which is neutral and polar, at codon 993 of the ALK protein (p.Asp993Asn). This variant is not present in population databases (gnomAD no frequency). This variant has not been reported in the literature in individuals affected with ALK-related conditions. ClinVar contains an entry for this variant (Variation ID: 2091579). An algorithm developed to predict the effect of missense changes on protein structure and function (PolyPhen-2) suggests that this variant is likely to be disruptive. In summary, the available evidence is currently insufficient to determine the role of this variant in disease. Therefore, it has been classified as a Variant of Uncertain Significance.

Dr. Peter K. Rogan Lab, Western University
No classification provided (evidence only). Condition: Ovarian serous cystadenocarcinoma. Review status: no classification provided. Collection method: in vitro. Allele origin: not applicable. Functional consequence: retained intron. Not counted in ClinVar's aggregate classification.

NM_004304.5(ALK):c.2977G>A (p.Asp993Asn)

Gene: ALK (ALK receptor tyrosine kinase; minus strand). Cytogenetic location: 2p23.2.
Variant type: single nucleotide variant.
Coding change: c.2977G>A on transcript NM_004304.5 (MANE Select); coding-DNA position 2977, G replaced by A.
Protein change: p.Asp993Asn; replaces aspartic acid 993 with asparagine.
Molecular consequence: missense variant.
Genome position (GRCh38, 1-based): chr2:29,227,012, C>T on the plus strand (G>A on the coding strand, the complement: ALK is on the minus strand). VCF-style: chr2-29227012-C-T. GRCh37 (hg19) VCF-style: chr2-29449878-C-T.
Other names: short protein forms D993N.
Identifiers: ClinVar variation 2091579 (VCV002091579.5), dbSNP rs2148178548, ClinGen allele CA346467770.